The following is an entry in ClinVar:

NM_000979.4(RPL18):c.451C>T (p.His151Tyr)

Gene: RPL18 (ribosomal protein L18; minus strand). Cytogenetic location: 19q13.33.
Variant type: single nucleotide variant.
Coding change: c.451C>T on transcript NM_000979.4 (MANE Select); coding-DNA position 451, C replaced by T.
Protein change: p.His151Tyr; replaces histidine 151 with tyrosine.
Molecular consequence: missense variant. On other transcripts: non-coding transcript variant (1).
Genome position (GRCh38, 1-based): chr19:48,615,917, G>A on the plus strand (C>T on the coding strand, the complement: RPL18 is on the minus strand). VCF-style: chr19-48615917-G-A. GRCh37 (hg19) VCF-style: chr19-49119174-G-A.
Other names: c.364C>T, p.His122Tyr (NM_001270490.2); short protein forms H151Y, H122Y.
Identifiers: ClinVar variation 4735987 (VCV004735987.1).

ClinVar aggregate classification (germline): Uncertain significance (1 of 4 stars; one submission).

Submission:

Labcorp Genetics (formerly Invitae), Labcorp
Classification: Uncertain significance. Last evaluated: 2026-01-27. Review status: criteria provided, single submitter. Criteria: Invitae Variant Classification Sherloc (09022015). Collection method: clinical testing. Allele origin: germline.
Comment: This sequence change replaces histidine, which is basic and polar, with tyrosine, which is neutral and polar, at codon 151 of the RPL18 protein (p.His151Tyr). This variant is not present in population databases (gnomAD no frequency). This variant has not been reported in the literature in individuals affected with RPL18-related conditions. An algorithm developed to predict the effect of missense changes on protein structure and function (PolyPhen-2) suggests that this variant is likely to be tolerated. In summary, the available evidence is currently insufficient to determine the role of this variant in disease. Therefore, it has been classified as a Variant of Uncertain Significance.